The following is an entry in ClinVar:

ClinVar aggregate classification (germline): Uncertain significance (1 of 4 stars; one submission).

Submission:

Ambry Genetics
Classification: Uncertain significance. Last evaluated: 2025-06-23. Review status: criteria provided, single submitter. Criteria: Ambry Variant Classification Scheme 2023. Collection method: clinical testing. Allele origin: germline.
Comment: The p.S1288N variant (also known as c.3863G>A), located in coding exon 14 of the CDK12 gene, results from a G to A substitution at nucleotide position 3863. The serine at codon 1288 is replaced by asparagine, an amino acid with highly similar properties. This amino acid position is conserved. In addition, this alteration is predicted to be tolerated by in silico analysis. Based on the available evidence, the clinical significance of this variant remains unclear.

NM_016507.4(CDK12):c.3863G>A (p.Ser1288Asn)

Gene: CDK12 (cyclin dependent kinase 12; plus strand). Cytogenetic location: 17q12.
Variant type: single nucleotide variant.
Coding change: c.3863G>A on transcript NM_016507.4 (MANE Select); coding-DNA position 3863, G replaced by A.
Protein change: p.Ser1288Asn; replaces serine 1288 with asparagine.
Molecular consequence: missense variant.
Genome position (GRCh38, 1-based): chr17:39,530,706, G>A. VCF-style: chr17-39530706-G-A. GRCh37 (hg19) VCF-style: chr17-37686959-G-A.
Other names: c.3836G>A, p.Ser1279Asn (NM_015083.4); short protein forms S1288N, S1279N.
Identifiers: ClinVar variation 4224218 (VCV004224218.1).